The following is an entry in ClinVar:

NM_032383.5(HPS3):c.2782A>T (p.Lys928Ter)

Genes: CP (ceruloplasmin; minus strand), HPS3 (HPS3 biogenesis of lysosomal organelles complex 2 subunit 1; plus strand). Cytogenetic location: 3q24.
Variant type: single nucleotide variant.
Coding change: c.2782A>T on transcript NM_032383.5 (MANE Select); coding-DNA position 2782, A replaced by T.
Protein change: p.Lys928Ter; replaces lysine 928 with a stop codon.
Molecular consequence: nonsense.
Genome position (GRCh38, 1-based): chr3:149,167,226, A>T. VCF-style: chr3-149167226-A-T. GRCh37 (hg19) VCF-style: chr3-148885013-A-T.
Other names: c.2287A>T, p.Lys763Ter (NM_001308258.2); short protein forms K763*, K928*.
Identifiers: ClinVar variation 5016340 (VCV005016340.1).

ClinVar aggregate classification (germline): Pathogenic (1 of 4 stars; one submission).

Conditions:
Hermansky-Pudlak syndrome 3 (HPS3). Identifiers: Orphanet 231512, Orphanet 79430, MedGen C3888001, MONDO:0013555, OMIM 614072.

Submission:

Myriad Genetics, Inc.
Classification: Pathogenic for Hermansky-Pudlak syndrome 3. Last evaluated: 2024-05-14. Review status: criteria provided, single submitter. Criteria: Myriad Autosomal Dominant, Autosomal Recessive and X-Linked Classification Criteria (2023). Collection method: clinical testing. Allele origin: unknown.
Comment: NM_032383.3(HPS3):c.2782A>T(K928*) is expected to be pathogenic in the context of Hermansky-Pudlak syndrome, HPS3-related. This variant is predicted to lead to an abnormal or absent protein product due to the creation of a premature termination codon in HPS3, a gene where loss-of-function variants are known to be pathogenic. Please note: this variant was assessed in the context of healthy population screening.